The following is an entry in ClinVar:

ClinVar aggregate classification (germline): Likely benign (1 of 4 stars; one submission).

gnomAD v4.1: 19 of 1,614,182 alleles (0.0012%); highest among the groups gnomAD compares: African/African-American, 0.008%; no homozygotes.

Submission:

CeGaT Center for Human Genetics Tuebingen
Classification: Likely benign. Last evaluated: 2025-02-01. Review status: criteria provided, single submitter. Criteria: CeGaT Center For Human Genetics Tuebingen Variant Classification Criteria Version 2. Collection method: clinical testing. Allele origin: germline. Affected: yes. Observed: 1 variant allele.
Comment: ABCA4: BP4, BP7

NM_000350.3(ABCA4):c.255C>A (p.Pro85=)

Gene: ABCA4 (ATP binding cassette subfamily A member 4; minus strand). Cytogenetic location: 1p22.1.
Variant type: single nucleotide variant.
Coding change: c.255C>A on transcript NM_000350.3 (MANE Select); coding-DNA position 255, C replaced by A.
Protein change: p.Pro85=; no amino-acid change (proline 85 retained).
Molecular consequence: synonymous variant.
Genome position (GRCh38, 1-based): chr1:94,111,485, G>T on the plus strand (C>A on the coding strand, the complement: ABCA4 is on the minus strand). VCF-style: chr1-94111485-G-T. GRCh37 (hg19) VCF-style: chr1-94577041-G-T.
Other names: c.255C>A, p.Pro85= (NM_001425324.1).
Identifiers: ClinVar variation 3771899 (VCV003771899.13).